The following is an entry in ClinVar:

NM_020631.6(PLEKHG5):c.91A>G (p.Thr31Ala)

Gene: PLEKHG5 (pleckstrin homology and RhoGEF domain containing G5; minus strand). Cytogenetic location: 1p36.31.
Variant type: single nucleotide variant.
Coding change: c.91A>G on transcript NM_020631.6 (MANE Select); coding-DNA position 91, A replaced by G.
Protein change: p.Thr31Ala; replaces threonine 31 with alanine.
Molecular consequence: missense variant.
Genome position (GRCh38, 1-based): chr1:6,475,989, T>C on the plus strand (A>G on the coding strand, the complement: PLEKHG5 is on the minus strand). VCF-style: chr1-6475989-T-C. GRCh37 (hg19) VCF-style: chr1-6536049-T-C.
Other names: c.202A>G, p.Thr68Ala (NM_001042663.3, NM_001265592.2); c.91A>G, p.Thr31Ala (NM_001042664.2, NM_001042665.2, NM_001265594.3 and 1 more transcripts); c.298A>G, p.Thr100Ala (NM_001265593.2); short protein forms T100A, T31A, T68A.
Identifiers: ClinVar variation 848767 (VCV000848767.10), dbSNP rs1644755304, ClinGen allele CA338141386.

ClinVar aggregate classification (germline): Uncertain significance (1 of 4 stars; one submission).

Conditions:
Charcot-Marie-Tooth disease recessive intermediate C. Also called: CHARCOT-MARIE-TOOTH NEUROPATHY, RECESSIVE INTERMEDIATE C. Identifiers: Orphanet 369867, MedGen C3809309, MONDO:0014154, OMIM 615376.
Neuronopathy, distal hereditary motor, autosomal recessive 4. Also called: Autosomal recessive lower motor neuron disease with childhood onset; NEUROPATHY, DISTAL HEREDITARY MOTOR, AUTOSOMAL RECESSIVE 4. Identifiers: Orphanet 206580, MedGen C1970211, MONDO:0012608, OMIM 611067.

Allele frequency attached by ClinVar (database versions not stated): gnomAD exomes below 0.00001.
gnomAD v4.1: 1 of 1,613,816 alleles (0.000062%); highest among the groups gnomAD compares: Non-Finnish European, 0.000085%; no homozygotes.

Submission:

Labcorp Genetics (formerly Invitae), Labcorp
Classification: Uncertain significance for Neuronopathy, distal hereditary motor, autosomal recessive 4; Charcot-Marie-Tooth disease recessive intermediate C. Last evaluated: 2019-04-11. Review status: criteria provided, single submitter. Criteria: Invitae Variant Classification Sherloc (09022015). Collection method: clinical testing. Allele origin: germline.
Comment: This sequence change replaces threonine with alanine at codon 31 of the PLEKHG5 protein (p.Thr31Ala). The threonine residue is moderately conserved and there is a small physicochemical difference between threonine and alanine. This variant is not present in population databases (ExAC no frequency). This variant has not been reported in the literature in individuals with PLEKHG5-related conditions. Algorithms developed to predict the effect of missense changes on protein structure and function are either unavailable or do not agree on the potential impact of this missense change (SIFT: "Tolerated"; PolyPhen-2: "Probably Damaging"; Align-GVGD: "Class C0"). In summary, the available evidence is currently insufficient to determine the role of this variant in disease. Therefore, it has been classified as a Variant of Uncertain Significance.